The following is an entry in ClinVar:

ClinVar aggregate classification (germline): Uncertain significance (1 of 4 stars; one submission).

gnomAD v4.1: 239 of 1,614,000 alleles (0.015%); highest among the groups gnomAD compares: Non-Finnish European, 0.02%; 1 homozygote.

Submission:

GeneDx
Classification: Uncertain significance. Last evaluated: 2020-05-21. Review status: criteria provided, single submitter. Criteria: GeneDx Variant Classification Process June 2021. Collection method: clinical testing. Allele origin: germline. Affected: yes.
Comment: Not observed at a significant frequency in large population cohorts (Lek et al., 2016); In silico analysis supports that this missense variant has a deleterious effect on protein structure/function; Has not been previously published as pathogenic or benign to our knowledge

NM_020745.4(AARS2):c.1262G>T (p.Arg421Leu)

Genes: AARS2 (alanyl-tRNA synthetase 2, mitochondrial; minus strand), POLR1C (RNA polymerase I and III subunit C; plus strand). Cytogenetic location: 6p21.1.
Variant type: single nucleotide variant.
Coding change: c.1262G>T on transcript NM_020745.4 (MANE Select); coding-DNA position 1262, G replaced by T.
Protein change: p.Arg421Leu; replaces arginine 421 with leucine.
Molecular consequence: missense variant.
Genome position (GRCh38, 1-based): chr6:44,306,318, C>A on the plus strand (G>T on the coding strand, the complement: AARS2 is on the minus strand). VCF-style: chr6-44306318-C-A. GRCh37 (hg19) VCF-style: chr6-44274055-C-A.
Other names: p.R421L:CGG>CTG; short protein forms R421L.
Identifiers: ClinVar variation 213975 (VCV000213975.3), dbSNP rs143345225, ClinGen allele CA322641.